The following is an entry in ClinVar:

ClinVar aggregate classification (germline): Uncertain significance (1 of 4 stars; one submission).

Allele frequency attached by ClinVar (database versions not stated): gnomAD exomes below 0.00001.
gnomAD v4.1: 1 of 1,613,526 alleles (0.000062%); highest among the groups gnomAD compares: Non-Finnish European, 0.000085%; no homozygotes.

Submission:

Labcorp Genetics (formerly Invitae), Labcorp
Classification: Uncertain significance. Last evaluated: 2021-09-20. Review status: criteria provided, single submitter. Criteria: Invitae Variant Classification Sherloc (09022015). Collection method: clinical testing. Allele origin: germline.
Comment: This sequence change replaces cysteine with tyrosine at codon 524 of the PDE6C protein (p.Cys524Tyr). The cysteine residue is highly conserved and there is a large physicochemical difference between cysteine and tyrosine. This variant is not present in population databases (ExAC no frequency). This variant has not been reported in the literature in individuals affected with PDE6C-related conditions. Algorithms developed to predict the effect of missense changes on protein structure and function are either unavailable or do not agree on the potential impact of this missense change (SIFT: "Deleterious"; PolyPhen-2: "Possibly Damaging"; Align-GVGD: "Class C0"). In summary, the available evidence is currently insufficient to determine the role of this variant in disease. Therefore, it has been classified as a Variant of Uncertain Significance.

NM_006204.4(PDE6C):c.1571G>A (p.Cys524Tyr)

Gene: PDE6C (phosphodiesterase 6C; plus strand). Cytogenetic location: 10q23.33.
Variant type: single nucleotide variant.
Coding change: c.1571G>A on transcript NM_006204.4 (MANE Select); coding-DNA position 1571, G replaced by A.
Protein change: p.Cys524Tyr; replaces cysteine 524 with tyrosine.
Molecular consequence: missense variant.
Genome position (GRCh38, 1-based): chr10:93,640,158, G>A. VCF-style: chr10-93640158-G-A. GRCh37 (hg19) VCF-style: chr10-95399915-G-A.
Other names: short protein forms C524Y.
Identifiers: ClinVar variation 1464176 (VCV001464176.3), dbSNP rs1292991479, ClinGen allele CA377617897.